The following is an entry in ClinVar:

NM_012203.2(GRHPR):c.16C>T (p.Leu6Phe)

Gene: GRHPR (glyoxylate and hydroxypyruvate reductase; plus strand). Cytogenetic location: 9p13.2.
Variant type: single nucleotide variant.
Coding change: c.16C>T on transcript NM_012203.2 (MANE Select); coding-DNA position 16, C replaced by T.
Protein change: p.Leu6Phe; replaces leucine 6 with phenylalanine.
Molecular consequence: missense variant.
Genome position (GRCh38, 1-based): chr9:37,422,766, C>T. VCF-style: chr9-37422766-C-T. GRCh37 (hg19) VCF-style: chr9-37422763-C-T.
Other names: p.Leu6Phe; short protein forms L6F.
Identifiers: ClinVar variation 366851 (VCV000366851.30), dbSNP rs147185003, ClinGen allele CA5058888.
Genomic context (GRCh38, chr9:37,422,766, plus strand): 5'-GCCAGCTTCTGTACTGCCAGGTCCGGGTCGGCGGCTGCACTGCGGATGAGACCGGTGCGA[C>T]TCATGAAGGTGTTCGTCACCCGCAGGATACCCGCCGAGGGTAGGGTCGCGCTCGCCCGGG-3'
Protein context (NP_036335.1, residues 1-16): MRPVR[Leu6Phe]MKVFVTRRIP

ClinVar aggregate classification (germline): Benign/Likely benign. Review status: criteria provided, multiple submitters, no conflicts (2 of 4 stars). 9 submissions from 9 submitters: Benign (5); Likely benign (2). 2 of the submissions do not count toward it. Last evaluated 2026-08-01.

Conditions:
GRHPR-related disorder. Also called: GRHPR-related condition.
Primary hyperoxaluria, type II (HP2). Also called: GLYCERIC ACIDURIA; GLYOXYLATE REDUCTASE/HYDROXYPYRUVATE REDUCTASE DEFICIENCY; Primary hyperoxaluria type 2; D-GLYCERATE DEHYDROGENASE DEFICIENCY; OXALOSIS II. Identifiers: Orphanet 416, Orphanet 93599, MedGen C0268165, MONDO:0009824, OMIM 260000. Disease mechanism: loss of function.

Allele frequency attached by ClinVar (database versions not stated): gnomAD 0.00088 and 0.00129; ESP Exome Variant Server 0.00116; TOPMed 0.00116; gnomAD exomes 0.00218 and 0.00321; 1000 Genomes Project 30x 0.00328; 1000 Genomes Project 0.00339; ExAC 0.00730.
gnomAD v4.1: 3,402 of 1,593,940 alleles (0.21%); highest among the groups gnomAD compares: South Asian, 1.8%; 38 homozygotes.

Submissions (9):

CeGaT Center for Human Genetics Tuebingen
Classification: Benign. Last evaluated: 2026-08-01. Review status: criteria provided, single submitter. Criteria: CeGaT Center For Human Genetics Tuebingen Variant Classification Criteria Version 2. Collection method: clinical testing. Allele origin: germline. Affected: yes. Observed: 2 variant alleles.
Comment: GRHPR: BS1, BS2

Labcorp Genetics (formerly Invitae), Labcorp
Classification: Benign. Last evaluated: 2026-02-01. Review status: criteria provided, single submitter. Criteria: Invitae Variant Classification Sherloc (09022015). Collection method: clinical testing. Allele origin: germline.

Mayo Clinic Laboratories, Mayo Clinic
Classification: Benign. Last evaluated: 2023-02-17. Review status: criteria provided, single submitter. Criteria: ACMG Guidelines, 2015. Collection method: clinical testing. Allele origin: germline. Observed: 2 variant alleles.
Comment: BS1, BS2

Genome-Nilou Lab
Classification: Benign for Primary hyperoxaluria, type II. Last evaluated: 2021-05-18. Review status: criteria provided, single submitter. Criteria: ACMG Guidelines, 2015. Collection method: clinical testing. Allele origin: germline. Affected: no.

GeneDx
Classification: Likely benign. Last evaluated: 2020-09-17. Review status: criteria provided, single submitter. Criteria: GeneDx Variant Classification Process June 2021. Collection method: clinical testing. Allele origin: germline. Affected: yes.

Illumina Laboratory Services, Illumina
Classification: Benign for Primary hyperoxaluria, type II. Last evaluated: 2018-01-12. Review status: criteria provided, single submitter. Criteria: ICSL Variant Classification Criteria 13 December 2019. Collection method: clinical testing. Allele origin: germline.
Comment: This variant was observed in the ICSL laboratory as part of a predisposition screen in an ostensibly healthy population. It had not been previously curated by ICSL or reported in the Human Gene Mutation Database (HGMD: prior to June 1st, 2018), and was therefore a candidate for classification through an automated scoring system. Utilizing variant allele frequency, disease prevalence and penetrance estimates, and inheritance mode, an automated score was calculated to assess if this variant is too frequent to cause the disease. Based on the score and internal cut-off values, a variant classified as benign is not then subjected to further curation. The score for this variant resulted in a classification of benign for this disease.

Breakthrough Genomics
Classification: Likely benign. Review status: criteria provided, single submitter. Criteria: ACMG Guidelines, 2015. Collection method: not provided. Allele origin: germline. Inheritance: Autosomal recessive inheritance. Affected: yes.

PreventionGenetics, part of Exact Sciences
Classification: Benign for GRHPR-related condition. Last evaluated: 2019-12-31. Review status: no assertion criteria provided. Collection method: clinical testing. Allele origin: germline. Not counted in ClinVar's aggregate classification.
Comment: This variant is classified as benign based on ACMG/AMP sequence variant interpretation guidelines (Richards et al. 2015 PMID: 25741868, with internal and published modifications).

Natera, Inc.
Classification: Benign for Primary hyperoxaluria type II. Last evaluated: 2019-10-28. Review status: no assertion criteria provided. Collection method: clinical testing. Allele origin: germline. Not counted in ClinVar's aggregate classification.

Literature cited by the submitters: PubMed 36185032 (cited by Mayo Clinic Laboratories, Mayo Clinic).